The following is an entry in ClinVar:

NM_024747.6(HPS6):c.452del (p.Pro151fs)

Gene: HPS6 (HPS6 biogenesis of lysosomal organelles complex 2 subunit 3; plus strand). Cytogenetic location: 10q24.32.
Variant type: Deletion.
Coding change: c.452del on transcript NM_024747.6 (MANE Select); coding-DNA position 452, one base deleted (C; older notation c.452delC).
Protein change: p.Pro151fs; shifts the reading frame from proline 151.
Molecular consequence: frameshift variant.
Genome position (GRCh38, 1-based): chr10:102,065,926, C deleted; the last of 3 consecutive C bases (chr10:102,065,924-102,065,926); deleting any one gives the same sequence. VCF-style (leftmost placement, unchanged base first): chr10-102065923-GC-G. GRCh37 (hg19) VCF-style: chr10-103825680-GC-G.
Other names: short protein forms P151fs.
Identifiers: ClinVar variation 3381860 (VCV003381860.2).

ClinVar aggregate classification (germline): Likely pathogenic (1 of 4 stars; one submission).

Conditions:
Hermansky-Pudlak syndrome 6 (HPS6). Identifiers: Orphanet 231512, Orphanet 79430, MedGen C3888007, MONDO:0013558, OMIM 614075.

Submission:

Juno Genomics, Hangzhou Juno Genomics, Inc
Classification: Likely pathogenic for Hermansky-Pudlak syndrome 6. Review status: criteria provided, single submitter. Criteria: ACMG Guidelines, 2015. Collection method: clinical testing. Allele origin: germline. Affected: yes.
Comment: Absent from controls (or at extremely low frequency if recessive) in Genome Aggregation Database, Exome Sequencing Project, 1000 Genomes Project, or Exome Aggregation Consortium.;Null variant in a gene where loss of function (LOF) is a known mechanism of disease.;For recessive disorders, detected in trans with a pathogenic variant.